The following is an entry in ClinVar:

ClinVar aggregate classification (germline): Likely pathogenic (1 of 4 stars; one submission).

Conditions:
Ataxia-telangiectasia syndrome (AT). Also called: LOUIS-BAR SYNDROME; Cerebello-oculocutaneous telangiectasia; Immunodeficiency with ataxia telangiectasia; AT, COMPLEMENTATION GROUP C; Ataxia-telangiectasia, complementation group D; ATAXIA-TELANGIECTASIA, COMPLEMENTATION GROUP A. Identifiers: Orphanet 100, MedGen C0004135, MONDO:0008840, OMIM 208900.

Submission:

Labcorp Genetics (formerly Invitae), Labcorp
Classification: Likely pathogenic for Ataxia-telangiectasia syndrome. Last evaluated: 2023-06-06. Review status: criteria provided, single submitter. Criteria: Invitae Variant Classification Sherloc (09022015). Collection method: clinical testing. Allele origin: unknown.
Comment: In summary, the currently available evidence indicates that the variant is pathogenic, but additional data are needed to prove that conclusively. Therefore, this variant has been classified as Likely Pathogenic. This variant has not been reported in the literature in individuals affected with ATM-related conditions. This variant results in the deletion of part of exon 56 (c.8218_8269-2879del) of the ATM gene. It is expected to disrupt RNA splicing. Variants that disrupt the donor or acceptor splice site typically lead to a loss of protein function (PMID: 16199547), and loss-of-function variants in ATM are known to be pathogenic (PMID: 23807571, 25614872).

Literature cited by the submitters: PubMed 16199547; PubMed 23807571; PubMed 25614872.

NC_000011.9:g.(?_108206635)_(108211067_?)del

Gene: ATM (ATM serine/threonine kinase; plus strand). Cytogenetic location: 11q22.3.
Variant type: Deletion.
Identifiers: ClinVar variation 3244504 (VCV003244504.1).